The following is an entry in ClinVar:

ClinVar aggregate classification (germline): Uncertain significance (1 of 4 stars; one submission).

Allele frequency attached by ClinVar (database versions not stated): gnomAD exomes 0.00001.
gnomAD v4.1: 5 of 1,614,132 alleles (0.00031%); highest among the groups gnomAD compares: Non-Finnish European, 0.00042%; no homozygotes.

Submission:

Labcorp Genetics (formerly Invitae), Labcorp
Classification: Uncertain significance. Last evaluated: 2022-07-19. Review status: criteria provided, single submitter. Criteria: Invitae Variant Classification Sherloc (09022015). Collection method: clinical testing. Allele origin: germline.
Comment: This variant has not been reported in the literature in individuals affected with NTRK2-related conditions. In summary, the available evidence is currently insufficient to determine the role of this variant in disease. Therefore, it has been classified as a Variant of Uncertain Significance. Algorithms developed to predict the effect of missense changes on protein structure and function are either unavailable or do not agree on the potential impact of this missense change (SIFT: "Tolerated"; PolyPhen-2: "Probably Damaging"; Align-GVGD: "Class C0"). This variant is not present in population databases (gnomAD no frequency). This sequence change replaces methionine, which is neutral and non-polar, with isoleucine, which is neutral and non-polar, at codon 379 of the NTRK2 protein (p.Met379Ile).

NM_006180.6(NTRK2):c.1137G>C (p.Met379Ile)

Gene: NTRK2 (neurotrophic receptor tyrosine kinase 2; plus strand). Cytogenetic location: 9q21.33.
Variant type: single nucleotide variant.
Coding change: c.1137G>C on transcript NM_006180.6 (MANE Select); coding-DNA position 1137, G replaced by C.
Protein change: p.Met379Ile; replaces methionine 379 with isoleucine.
Molecular consequence: missense variant.
Genome position (GRCh38, 1-based): chr9:84,727,937, G>C. VCF-style: chr9-84727937-G-C. GRCh37 (hg19) VCF-style: chr9-87342852-G-C.
Other names: c.1137G>C, p.Met379Ile (NM_001369542.1, NM_001369543.1, NM_001369544.1 and 17 more transcripts); c.1098G>C, p.Met366Ile (NM_001369546.1, NM_001291937.2); c.669G>C, p.Met223Ile (NM_001369550.1, NM_001369551.1, NM_001369535.1 and 2 more transcripts); short protein forms M366I, M379I, M223I.
Identifiers: ClinVar variation 2083142 (VCV002083142.4), dbSNP rs2492240592, ClinGen allele CA374009291.